The following is an entry in ClinVar:

ClinVar aggregate classification (germline): Conflicting classifications of pathogenicity. Review status: criteria provided, conflicting classifications (1 of 4 stars). 6 submissions from 6 submitters: Likely pathogenic (1); Uncertain significance (2). 3 of the submissions do not count toward it. Last evaluated 2026-01-21.

Conditions:
F11-related disorder. Also called: F11-related condition.
Hereditary factor XI deficiency disease. Also called: PLASMA THROMBOPLASTIN ANTECEDENT DEFICIENCY; PTA DEFICIENCY; ROSENTHAL SYNDROME; Congenital factor XI deficiency. Identifiers: Orphanet 329, MedGen C0015523, MeSH D005173, MONDO:0012897, OMIM 612416.

Allele frequency attached by ClinVar (database versions not stated): gnomAD exomes 0.00001 and 0.00004; ExAC 0.00004; TOPMed 0.00011; ESP Exome Variant Server 0.00031.
gnomAD v4.1: 29 of 1,613,960 alleles (0.0018%); highest among the groups gnomAD compares: African/African-American, 0.033%; no homozygotes.

Submissions (6):

Myriad Genetics, Inc.
Classification: Uncertain significance for Hereditary factor XI deficiency disease. Last evaluated: 2026-01-21. Review status: criteria provided, single submitter. Criteria: Myriad Autosomal Dominant, Autosomal Recessive and X-Linked Classification Criteria (2023). Collection method: clinical testing. Allele origin: unknown.
Comment: NM_000128.3(F11):c.723C>G(F241L) is a missense variant classified as a variant of uncertain significance in the context of factor XI deficiency. F241L has been observed in a case with relevant disease (PMID: 21457405). Relevant functional assessments of this variant are available in the literature (PMID: 21457405). F241L has been observed in referenced population frequency databases. In summary, there is insufficient evidence to classify NM_000128.3(F11):c.723C>G(F241L) as pathogenic or benign. Please note: this variant was assessed in the context of healthy population screening.

PreventionGenetics, part of Exact Sciences
Classification: Uncertain significance for F11-related condition. Last evaluated: 2025-05-28. Review status: criteria provided, single submitter. Criteria: ACMG Guidelines, 2015. Collection method: clinical testing. Allele origin: germline.
Comment: The F11 c.723C>G variant is predicted to result in the amino acid substitution p.Phe241Leu. This variant has been reported in the heterozygous state in an individual with Factor XI deficiency (Dai et al. 2011. PubMed ID: 21457405). Functional studies reveal that this variant reduces protein expression and also reduces secretion of Factor XI when compared to wild-type, which suggests a dominant negative mechanism (Dai et al. 2011. PubMed ID: 21457405). This variant is reported in 0.068% of alleles in individuals of African descent in gnomAD. This variant is also located in the apple 3 domain where other missense variants have been reported in Factor XI-deficient patients (de Mazancourt et al. 2023. PubMedID: 37252892). Although we suspect that this variant may be pathogenic, at this time, the clinical significance of this variant is uncertain due to the absence of conclusive functional and genetic evidence.

GeneDx
Classification: Likely pathogenic. Last evaluated: 2024-12-12. Review status: criteria provided, single submitter. Criteria: GeneDx Variant Classification Process June 2021. Collection method: clinical testing. Allele origin: germline. Affected: yes.
Comment: Published functional studies demonstrate a damaging dominant negative effect of this variant on wild-type Factor XI protein secretion (PMID: 21457405); In silico analysis supports that this missense variant has a deleterious effect on protein structure/function; This variant is associated with the following publications: (PMID: 28615222, Pshenichnikova2022[casereport], 21457405, 37252892)

Zotz-Klimas Genetics Lab, MVZ Zotz Klimas
Classification: Likely pathogenic for Hereditary factor XI deficiency disease. Last evaluated: 2023-10-30. Review status: no assertion criteria provided. Collection method: clinical testing. Allele origin: germline. Affected: yes. Not counted in ClinVar's aggregate classification.

Counsyl
Classification: Uncertain significance for Hereditary factor XI deficiency disease. Last evaluated: 2017-11-08. Review status: no assertion criteria provided. Collection method: clinical testing. Allele origin: unknown. Not counted in ClinVar's aggregate classification.

UniProtKB/Swiss-Prot
No classification provided. Review status: no classification provided. Collection method: not provided. Allele origin: not provided. Not counted in ClinVar's aggregate classification.

Literature cited by the submitters: PubMed 21457405 (cited by Myriad Genetics, Inc. and Counsyl).

NM_000128.4(F11):c.723C>G (p.Phe241Leu)

Gene: F11 (coagulation factor XI; plus strand). Cytogenetic location: 4q35.2.
Variant type: single nucleotide variant.
Coding change: c.723C>G on transcript NM_000128.4 (MANE Select); coding-DNA position 723, C replaced by G.
Protein change: p.Phe241Leu; replaces phenylalanine 241 with leucine.
Molecular consequence: missense variant.
Genome position (GRCh38, 1-based): chr4:186,276,358, C>G. VCF-style: chr4-186276358-C-G. GRCh37 (hg19) VCF-style: chr4-187197512-C-G.
Other names: short protein forms F241L.
Identifiers: ClinVar variation 68197 (VCV000068197.5), dbSNP rs281875265, ClinGen allele CA219148.